The following is an entry in ClinVar:

NM_017827.4(SARS2):c.1417G>A (p.Gly473Ser)

Gene: SARS2 (seryl-tRNA synthetase 2, mitochondrial; minus strand). Cytogenetic location: 19q13.2.
Variant type: single nucleotide variant.
Coding change: c.1417G>A on transcript NM_017827.4 (MANE Select); coding-DNA position 1417, G replaced by A.
Protein change: p.Gly473Ser; replaces glycine 473 with serine.
Molecular consequence: missense variant.
Genome position (GRCh38, 1-based): chr19:38,915,746, C>T on the plus strand (G>A on the coding strand, the complement: SARS2 is on the minus strand). VCF-style: chr19-38915746-C-T. GRCh37 (hg19) VCF-style: chr19-39406386-C-T.
Other names: c.1423G>A, p.Gly475Ser (NM_001145901.2); short protein forms G475S, G473S.
Identifiers: ClinVar variation 2078578 (VCV002078578.5), dbSNP rs749994514, ClinGen allele CA9422703.

ClinVar aggregate classification (germline): Uncertain significance. Review status: criteria provided, multiple submitters, no conflicts (2 of 4 stars). 2 submissions from 2 submitters: Uncertain significance (2). Last evaluated 2026-01-05.

Conditions:
Hyperuricemia, pulmonary hypertension, renal failure, alkalosis syndrome (HUPRAS). Also called: HUPRA SYNDROME; HYPERURICEMIA, PULMONARY HYPERTENSION, RENAL FAILURE, AND ALKALOSIS SYNDROME. Identifiers: Orphanet 363694, MedGen C3151209, MONDO:0013458, OMIM 613845.

Allele frequency attached by ClinVar (database versions not stated): gnomAD 0.00001; TOPMed 0.00003; ExAC 0.00005.
gnomAD v4.1: 50 of 1,613,096 alleles (0.0031%); highest among the groups gnomAD compares: African/African-American, 0.0027%; no homozygotes.

Submissions (2):

Labcorp Genetics (formerly Invitae), Labcorp
Classification: Uncertain significance. Last evaluated: 2026-01-05. Review status: criteria provided, single submitter. Criteria: Invitae Variant Classification Sherloc (09022015). Collection method: clinical testing. Allele origin: germline.
Comment: This sequence change replaces glycine, which is neutral and non-polar, with serine, which is neutral and polar, at codon 473 of the SARS2 protein (p.Gly473Ser). This variant is present in population databases (rs749994514, gnomAD 0.1%). This variant has not been reported in the literature in individuals affected with SARS2-related conditions. ClinVar contains an entry for this variant (Variation ID: 2078578). An algorithm developed to predict the effect of missense changes on protein structure and function (PolyPhen-2) suggests that this variant is likely to be disruptive. Algorithms developed to predict the effect of sequence changes on RNA splicing suggest that this variant may create or strengthen a splice site. In summary, the available evidence is currently insufficient to determine the role of this variant in disease. Therefore, it has been classified as a Variant of Uncertain Significance.

Fulgent Genetics
Classification: Uncertain significance for Hyperuricemia, pulmonary hypertension, renal failure, alkalosis syndrome. Last evaluated: 2024-04-29. Review status: criteria provided, single submitter. Criteria: ACMG Guidelines, 2015. Collection method: clinical testing. Allele origin: germline.